The following is an entry in ClinVar:

ClinVar aggregate classification (germline): Uncertain significance (1 of 4 stars; one submission).

Conditions:
Charcot-Marie-Tooth disease type 2. Also called: Charcot-Marie-Tooth type 2. Identifiers: Orphanet 64746, MedGen C0270914, MONDO:0018993.

Submission:

Labcorp Genetics (formerly Invitae), Labcorp
Classification: Uncertain significance for Charcot-Marie-Tooth disease type 2. Last evaluated: 2025-03-31. Review status: criteria provided, single submitter. Criteria: Invitae Variant Classification Sherloc (09022015). Collection method: clinical testing. Allele origin: germline.
Comment: This sequence change replaces aspartic acid, which is acidic and polar, with glycine, which is neutral and non-polar, at codon 116 of the GARS protein (p.Asp116Gly). This variant is not present in population databases (gnomAD no frequency). This variant has not been reported in the literature in individuals affected with GARS-related conditions. Invitae Evidence Modeling of protein sequence and biophysical properties (such as structural, functional, and spatial information, amino acid conservation, physicochemical variation, residue mobility, and thermodynamic stability) indicates that this missense variant is not expected to disrupt GARS protein function with a negative predictive value of 95%. In summary, the available evidence is currently insufficient to determine the role of this variant in disease. Therefore, it has been classified as a Variant of Uncertain Significance.

NM_002047.4(GARS1):c.347A>G (p.Asp116Gly)

Gene: GARS1 (glycyl-tRNA synthetase 1; plus strand). Cytogenetic location: 7p14.3.
Variant type: single nucleotide variant.
Coding change: c.347A>G on transcript NM_002047.4 (MANE Select); coding-DNA position 347, A replaced by G.
Protein change: p.Asp116Gly; replaces aspartic acid 116 with glycine.
Molecular consequence: missense variant.
Genome position (GRCh38, 1-based): chr7:30,599,969, A>G. VCF-style: chr7-30599969-A-G. GRCh37 (hg19) VCF-style: chr7-30639585-A-G.
Other names: c.185A>G, p.Asp62Gly (NM_001316772.1); short protein forms D116G, D62G.
Identifiers: ClinVar variation 4811839 (VCV004811839.1).